The following is an entry in ClinVar:

NM_018124.4(RFWD3):c.1726G>C (p.Val576Leu)

Gene: RFWD3 (ring finger and WD repeat domain 3; minus strand). Cytogenetic location: 16q23.1.
Variant type: single nucleotide variant.
Coding change: c.1726G>C on transcript NM_018124.4 (MANE Select); coding-DNA position 1726, G replaced by C.
Protein change: p.Val576Leu; replaces valine 576 with leucine.
Molecular consequence: missense variant. On other transcripts: intron variant (1).
Genome position (GRCh38, 1-based): chr16:74,630,809, C>G on the plus strand (G>C on the coding strand, the complement: RFWD3 is on the minus strand). VCF-style: chr16-74630809-C-G. GRCh37 (hg19) VCF-style: chr16-74664707-C-G.
Other names: c.1726G>C, p.Val576Leu (NM_001370534.1, NM_001370535.1); c.892G>C, p.Val298Leu (NM_001370537.1, NM_001370539.1, NM_001370540.1 and 3 more transcripts); c.1577+1714G>C (NM_001370536.1); c.1726G>C (NM_018124.3); short protein forms V298L, V576L.
Identifiers: ClinVar variation 2419938 (VCV002419938.7), dbSNP rs750430318, ClinGen allele CA8169093.

ClinVar aggregate classification (germline): Uncertain significance. Review status: criteria provided, multiple submitters, no conflicts (2 of 4 stars). 2 submissions from 2 submitters: Uncertain significance (2). Last evaluated 2025-07-13.

Allele frequency attached by ClinVar (database versions not stated): gnomAD 0.00001; ExAC 0.00002; TOPMed 0.00002; gnomAD exomes 0.00003.
gnomAD v4.1: 41 of 1,611,892 alleles (0.0025%); highest among the groups gnomAD compares: Admixed American, 0.005%; no homozygotes.

Submissions (2):

Labcorp Genetics (formerly Invitae), Labcorp
Classification: Uncertain significance. Last evaluated: 2025-07-13. Review status: criteria provided, single submitter. Criteria: Invitae Variant Classification Sherloc (09022015). Collection method: clinical testing. Allele origin: germline.
Comment: This sequence change replaces valine, which is neutral and non-polar, with leucine, which is neutral and non-polar, at codon 576 of the RFWD3 protein (p.Val576Leu). This variant is present in population databases (rs750430318, gnomAD 0.003%). This variant has not been reported in the literature in individuals affected with RFWD3-related conditions. ClinVar contains an entry for this variant (Variation ID: 2419938). An algorithm developed to predict the effect of missense changes on protein structure and function (PolyPhen-2) suggests that this variant is likely to be tolerated. In summary, the available evidence is currently insufficient to determine the role of this variant in disease. Therefore, it has been classified as a Variant of Uncertain Significance.

Ambry Genetics
Classification: Uncertain significance. Last evaluated: 2024-12-31. Review status: criteria provided, single submitter. Criteria: Ambry Variant Classification Scheme 2023. Collection method: clinical testing. Allele origin: germline.